The following is an entry in ClinVar:

ClinVar aggregate classification (germline): Likely benign. Review status: criteria provided, multiple submitters, no conflicts (2 of 4 stars). 4 submissions from 4 submitters: Likely benign (3). 1 of the submissions does not count toward it. Last evaluated 2026-01-27.

Conditions:
BPTF-related disorder. Also called: BPTF-related condition.

Allele frequency attached by ClinVar (database versions not stated): 1000 Genomes Project 30x 0.00016; 1000 Genomes Project 0.00020; ESP Exome Variant Server 0.00100; TOPMed 0.00116; gnomAD 0.00127; ExAC 0.00151; gnomAD exomes 0.00230.
gnomAD v4.1: 3,527 of 1,614,146 alleles (0.22%); highest among the groups gnomAD compares: Non-Finnish European, 0.26%; 5 homozygotes.

Submissions (4):

Labcorp Genetics (formerly Invitae), Labcorp
Classification: Likely benign. Last evaluated: 2026-01-27. Review status: criteria provided, single submitter. Criteria: Invitae Variant Classification Sherloc (09022015). Collection method: clinical testing. Allele origin: germline.

CeGaT Center for Human Genetics Tuebingen
Classification: Likely benign. Last evaluated: 2025-03-01. Review status: criteria provided, single submitter. Criteria: CeGaT Center For Human Genetics Tuebingen Variant Classification Criteria Version 2. Collection method: clinical testing. Allele origin: germline. Affected: yes. Observed: 5 variant alleles.
Comment: BPTF: BP4, BS1

Blueprint Genetics
Classification: Likely benign. Last evaluated: 2024-11-25. Review status: criteria provided, single submitter. Criteria: ACMG Guidelines, 2015. Collection method: clinical testing. Allele origin: germline.

PreventionGenetics, part of Exact Sciences
Classification: Likely benign for BPTF-related condition. Last evaluated: 2023-10-02. Review status: no assertion criteria provided. Collection method: clinical testing. Allele origin: germline. Not counted in ClinVar's aggregate classification.
Comment: This variant is classified as likely benign based on ACMG/AMP sequence variant interpretation guidelines (Richards et al. 2015 PMID: 25741868, with internal and published modifications).

NM_182641.4(BPTF):c.3447A>T (p.Arg1149Ser)

Gene: BPTF (bromodomain PHD finger transcription factor; plus strand). Cytogenetic location: 17q24.2.
Variant type: single nucleotide variant.
Coding change: c.3447A>T on transcript NM_182641.4 (MANE Select); coding-DNA position 3447, A replaced by T.
Protein change: p.Arg1149Ser; replaces arginine 1149 with serine.
Molecular consequence: missense variant.
Genome position (GRCh38, 1-based): chr17:67,911,331, A>T. VCF-style: chr17-67911331-A-T. GRCh37 (hg19) VCF-style: chr17-65907447-A-T.
Other names: c.3825A>T, p.Arg1275Ser (NM_004459.7); c.3447A>T (NM_182641.3); short protein forms R1149S, R1275S.
Identifiers: ClinVar variation 2038551 (VCV002038551.30), dbSNP rs141238002, ClinGen allele CA8725638.